The following is an entry in ClinVar:

NM_000426.4(LAMA2):c.8918C>A (p.Thr2973Lys)

Gene: LAMA2 (laminin subunit alpha 2; plus strand). Cytogenetic location: 6q22.33.
Variant type: single nucleotide variant.
Coding change: c.8918C>A on transcript NM_000426.4 (MANE Select); coding-DNA position 8918, C replaced by A.
Protein change: p.Thr2973Lys; replaces threonine 2973 with lysine.
Molecular consequence: missense variant.
Genome position (GRCh38, 1-based): chr6:129,512,423, C>A. VCF-style: chr6-129512423-C-A. GRCh37 (hg19) VCF-style: chr6-129833568-C-A.
Other names: c.8906C>A, p.Thr2969Lys (NM_001079823.2); short protein forms T2969K, T2973K.
Identifiers: ClinVar variation 972391 (VCV000972391.19), dbSNP rs145842163, ClinGen allele CA3994968.
Genomic context (GRCh38, chr6:129,512,423, plus strand): 5'-TTGGTGGATTCAAAGTGGGATTGGACCTTCTTGTAGAATTTGAATTCCGCACAACTACAA[C>A]GACTGGAGTTCTTCTGGGGATCAGTAGTCAAAAAATGGATGGAATGGGTATTGAAATGAT-3'
Protein context (NP_000417.3, residues 2963-2983): LVEFEFRTTT[Thr2973Lys]TGVLLGISSQ

ClinVar aggregate classification (germline): Conflicting classifications of pathogenicity. Review status: criteria provided, conflicting classifications (1 of 4 stars). 3 submissions from 3 submitters: Uncertain significance (2); Likely benign (1). Last evaluated 2026-01-24.

Conditions:
LAMA2-related muscular dystrophy (LAMA2-RD). Also called: Laminin alpha 2-related dystrophy. Identifiers: MedGen C5679788, MONDO:0100228.

Allele frequency attached by ClinVar (database versions not stated): TOPMed 0.00013; ESP Exome Variant Server 0.00023.
gnomAD v4.1: 76 of 1,612,956 alleles (0.0047%); highest among the groups gnomAD compares: Non-Finnish European, 0.0042%; no homozygotes.

Submissions (3):

Labcorp Genetics (formerly Invitae), Labcorp
Classification: Likely benign for LAMA2-related muscular dystrophy. Last evaluated: 2026-01-24. Review status: criteria provided, single submitter. Criteria: Invitae Variant Classification Sherloc (09022015). Collection method: clinical testing. Allele origin: germline.

Mayo Clinic Laboratories, Mayo Clinic
Classification: Uncertain significance. Last evaluated: 2022-04-12. Review status: criteria provided, single submitter. Criteria: ACMG Guidelines, 2015. Collection method: clinical testing. Allele origin: germline. Observed: 3 variant alleles.
Comment: BP4

Revvity Omics, Revvity
Classification: Uncertain significance. Last evaluated: 2022-04-07. Review status: criteria provided, single submitter. Criteria: ACMG Guidelines, 2015. Collection method: clinical testing. Allele origin: germline.